The following is an entry in ClinVar:

NM_015311.3(OBSL1):c.1598C>T (p.Thr533Met)

Gene: OBSL1 (obscurin like cytoskeletal adaptor 1; minus strand). Cytogenetic location: 2q35.
Variant type: single nucleotide variant.
Coding change: c.1598C>T on transcript NM_015311.3 (MANE Select); coding-DNA position 1598, C replaced by T.
Protein change: p.Thr533Met; replaces threonine 533 with methionine.
Molecular consequence: missense variant.
Genome position (GRCh38, 1-based): chr2:219,567,512, G>A on the plus strand (C>T on the coding strand, the complement: OBSL1 is on the minus strand). VCF-style: chr2-219567512-G-A. GRCh37 (hg19) VCF-style: chr2-220432234-G-A.
Other names: c.1598C>T (NM_015311.2); c.1598C>T, p.Thr533Met (NM_001173408.2, NM_001173431.2); short protein forms T533M.
Identifiers: ClinVar variation 2155134 (VCV002155134.5), dbSNP rs371394126, ClinGen allele CA2131483.

ClinVar aggregate classification (germline): Uncertain significance. Review status: criteria provided, multiple submitters, no conflicts (2 of 4 stars). 2 submissions from 2 submitters: Uncertain significance (2). Last evaluated 2025-03-17.

Conditions:
Inborn genetic diseases. Identifiers: MedGen C0950123, MeSH D030342.

Allele frequency attached by ClinVar (database versions not stated): ExAC 0.00003; ESP Exome Variant Server 0.00008.
gnomAD v4.1: 35 of 1,613,384 alleles (0.0022%); highest among the groups gnomAD compares: African/African-American, 0.008%; no homozygotes.

Submissions (2):

Labcorp Genetics (formerly Invitae), Labcorp
Classification: Uncertain significance. Last evaluated: 2025-03-17. Review status: criteria provided, single submitter. Criteria: Invitae Variant Classification Sherloc (09022015). Collection method: clinical testing. Allele origin: germline.
Comment: This sequence change replaces threonine, which is neutral and polar, with methionine, which is neutral and non-polar, at codon 533 of the OBSL1 protein (p.Thr533Met). This variant is present in population databases (rs371394126, gnomAD 0.03%). This variant has not been reported in the literature in individuals affected with OBSL1-related conditions. ClinVar contains an entry for this variant (Variation ID: 2155134). An algorithm developed to predict the effect of missense changes on protein structure and function (PolyPhen-2) suggests that this variant is likely to be disruptive. In summary, the available evidence is currently insufficient to determine the role of this variant in disease. Therefore, it has been classified as a Variant of Uncertain Significance.

Ambry Genetics
Classification: Uncertain significance for Inborn genetic diseases. Last evaluated: 2023-10-10. Review status: criteria provided, single submitter. Criteria: Ambry Variant Classification Scheme 2023. Collection method: clinical testing. Allele origin: germline.